The following is an entry in ClinVar:

ClinVar aggregate classification (germline): Pathogenic. Review status: criteria provided, multiple submitters, no conflicts (2 of 4 stars). 2 submissions from 2 submitters: Pathogenic (2). Last evaluated 2025-12-03.

Conditions:
Hereditary cancer-predisposing syndrome. Also called: Neoplastic Syndromes, Hereditary; Hereditary Cancer Syndrome; Tumor predisposition; Hereditary neoplastic syndrome. Identifiers: Orphanet 140162, MedGen C0027672, MeSH D009386, MONDO:0015356.
Lynch syndrome 5 (LYNCH5). Also called: Colorectal cancer, hereditary nonpolyposis, type 5; Hereditary non-polyposis colorectal cancer, type 5. Identifiers: Orphanet 144, MedGen C1833477, MONDO:0013710, OMIM 614350. Disease mechanism: loss of function.

Submissions (2):

Myriad Genetics, Inc.
Classification: Pathogenic for Lynch syndrome 5. Last evaluated: 2025-12-03. Review status: criteria provided, single submitter. Criteria: Myriad Autosomal Dominant, Autosomal Recessive and X-Linked Classification Criteria (2023). Collection method: clinical testing. Allele origin: unknown.
Comment: This variant is considered pathogenic. This variant creates a termination codon and is predicted to result in premature protein truncation.

Ambry Genetics
Classification: Pathogenic for Hereditary cancer-predisposing syndrome. Last evaluated: 2022-11-07. Review status: criteria provided, single submitter. Criteria: Ambry Variant Classification Scheme 2023. Collection method: clinical testing. Allele origin: germline.
Comment: The p.Y1249* pathogenic mutation (also known as c.3747C>G), located in coding exon 8 of the MSH6 gene, results from a C to G substitution at nucleotide position 3747. This changes the amino acid from a tyrosine to a stop codon within coding exon 8. This variant is considered to be rare based on population cohorts in the Genome Aggregation Database (gnomAD). This alteration is expected to result in loss of function by premature protein truncation or nonsense-mediated mRNA decay. As such, this alteration is interpreted as a disease-causing mutation.

NM_000179.3(MSH6):c.3747C>G (p.Tyr1249Ter)

Gene: MSH6 (mutS homolog 6; plus strand). Cytogenetic location: 2p16.3.
Variant type: single nucleotide variant.
Coding change: c.3747C>G on transcript NM_000179.3 (MANE Select); coding-DNA position 3747, C replaced by G.
Protein change: p.Tyr1249Ter; replaces tyrosine 1249 with a stop codon.
Molecular consequence: nonsense. On other transcripts: non-coding transcript variant (5).
Genome position (GRCh38, 1-based): chr2:47,806,304, C>G. VCF-style: chr2-47806304-C-G. GRCh37 (hg19) VCF-style: chr2-48033443-C-G.
Other names: c.3357C>G, p.Tyr1119Ter (NM_001281492.2); c.2841C>G, p.Tyr947Ter (NM_001281493.2, NM_001281494.2, NM_001406811.1 and 6 more transcripts); c.3843C>G, p.Tyr1281Ter (NM_001406795.1, NM_001406802.1); c.3747C>G, p.Tyr1249Ter (NM_001406796.1, NM_001406800.1, NM_001406808.1 and 1 more transcripts); c.3450C>G, p.Tyr1150Ter (NM_001406797.1, NM_001406801.1, NM_001406805.1 and 10 more transcripts); c.3573C>G, p.Tyr1191Ter (NM_001406798.1); c.3222C>G, p.Tyr1074Ter (NM_001406799.1, NM_001406806.1, NM_001406807.1); c.2883C>G, p.Tyr961Ter (NM_001406803.1); and 7 more; short protein forms Y1074*, Y1119*, Y1193*, Y1251*, Y1281*, Y176*, Y1150*, Y1191*.
Identifiers: ClinVar variation 2447294 (VCV002447294.3), dbSNP rs1057520326, ClinGen allele CA346761069.